The following is an entry in ClinVar:

ClinVar aggregate classification (germline): Uncertain significance (1 of 4 stars; one submission).

Allele frequency attached by ClinVar (database versions not stated): gnomAD exomes below 0.00001.

Submission:

Labcorp Genetics (formerly Invitae), Labcorp
Classification: Uncertain significance. Last evaluated: 2021-08-02. Review status: criteria provided, single submitter. Criteria: Invitae Variant Classification Sherloc (09022015). Collection method: clinical testing. Allele origin: germline.
Comment: In summary, the available evidence is currently insufficient to determine the role of this variant in disease. Therefore, it has been classified as a Variant of Uncertain Significance. Algorithms developed to predict the effect of missense changes on protein structure and function are either unavailable or do not agree on the potential impact of this missense change (SIFT: "Deleterious"; PolyPhen-2: "Probably Damaging"; Align-GVGD: "Class C0"). This variant has not been reported in the literature in individuals affected with LAMC3-related conditions. This variant is not present in population databases (ExAC no frequency). This sequence change replaces alanine with proline at codon 127 of the LAMC3 protein (p.Ala127Pro). The alanine residue is moderately conserved and there is a small physicochemical difference between alanine and proline.

NM_006059.4(LAMC3):c.379G>C (p.Ala127Pro)

Gene: LAMC3 (laminin subunit gamma 3; plus strand). Cytogenetic location: 9q34.12.
Variant type: single nucleotide variant.
Coding change: c.379G>C on transcript NM_006059.4 (MANE Select); coding-DNA position 379, G replaced by C.
Protein change: p.Ala127Pro; replaces alanine 127 with proline.
Molecular consequence: missense variant.
Genome position (GRCh38, 1-based): chr9:131,026,290, G>C. VCF-style: chr9-131026290-G-C. GRCh37 (hg19) VCF-style: chr9-133901677-G-C.
Other names: short protein forms A127P.
Identifiers: ClinVar variation 1482900 (VCV001482900.6), dbSNP rs1362511472, ClinGen allele CA375252124.